The following is an entry in ClinVar:

ClinVar aggregate classification (germline): Conflicting classifications of pathogenicity. Review status: criteria provided, conflicting classifications (1 of 4 stars). 5 submissions from 5 submitters: Uncertain significance (4); Likely benign (1). Last evaluated 2026-02-02.

Conditions:
Familial thoracic aortic aneurysm and aortic dissection (TAAD). Also called: Thoracic aortic aneurysms and dissections. Identifiers: Orphanet 91387, MedGen C4707243, MONDO:0019625.
Ehlers-Danlos syndrome, kyphoscoliotic type 1 (EDSKSCL1). Also called: EHLERS-DANLOS SYNDROME, TYPE VIA; EHLERS-DANLOS SYNDROME, OCULAR-SCOLIOTIC TYPE; Ehlers-Danlos syndrome, hydroxylysine-deficient; PLOD1-Related Kyphoscoliotic Ehlers-Danlos Syndrome. Identifiers: Orphanet 1900, MedGen C0268342, MONDO:0016002, OMIM 225400. Disease mechanism: loss of function.

Allele frequency attached by ClinVar (database versions not stated): gnomAD 0.00006; TOPMed 0.00007; ESP Exome Variant Server 0.00008.
gnomAD v4.1: 70 of 1,611,260 alleles (0.0043%); highest among the groups gnomAD compares: East Asian, 0.036%; no homozygotes.

Submissions (5):

Women's Health and Genetics/Laboratory Corporation of America, LabCorp
Classification: Uncertain significance. Last evaluated: 2026-02-02. Review status: criteria provided, single submitter. Criteria: LabCorp Variant Classification Summary - May 2015. Collection method: clinical testing. Allele origin: germline.
Comment: Variant summary: PLOD1 c.569C>T (p.Pro190Leu) results in a non-conservative amino acid change in the encoded protein sequence. Algorithms developed to predict the effect of missense changes on protein structure and function are either unavailable or do not agree on the potential impact of this missense change. The variant allele was found at a frequency of 8.4e-05 in 251160 control chromosomes. This frequency is not significantly higher than estimated for disease-causing variants in PLOD1, allowing no conclusion about variant significance. To our knowledge, no occurrence of c.569C>T in individuals affected with PLOD1-related conditions and no experimental evidence demonstrating its impact on protein function have been reported. ClinVar contains an entry for this variant (Variation ID: 571946). Based on the evidence outlined above, the variant was classified as uncertain significance.

Ambry Genetics
Classification: Uncertain significance for Familial thoracic aortic aneurysm and aortic dissection. Last evaluated: 2025-12-16. Review status: criteria provided, single submitter. Criteria: Ambry Variant Classification Scheme 2023. Collection method: clinical testing. Allele origin: germline.
Comment: The p.P190L variant (also known as c.569C>T), located in coding exon 5 of the PLOD1 gene, results from a C to T substitution at nucleotide position 569. The proline at codon 190 is replaced by leucine, an amino acid with similar properties. This amino acid position is well conserved in available vertebrate species. In addition, this alteration is predicted to be tolerated by in silico analysis. Since supporting evidence is limited at this time, the clinical significance of this alteration remains unclear.

Labcorp Genetics (formerly Invitae), Labcorp
Classification: Likely benign for Ehlers-Danlos syndrome, kyphoscoliotic type 1. Last evaluated: 2025-11-11. Review status: criteria provided, single submitter. Criteria: Invitae Variant Classification Sherloc (09022015). Collection method: clinical testing. Allele origin: germline.

Mayo Clinic Laboratories, Mayo Clinic
Classification: Uncertain significance. Last evaluated: 2025-11-01. Review status: criteria provided, single submitter. Criteria: ACMG Guidelines, 2015. Collection method: clinical testing. Allele origin: germline. Observed: 1 variant allele.
Comment: BP4_moderate

GeneDx
Classification: Uncertain significance. Last evaluated: 2023-11-21. Review status: criteria provided, single submitter. Criteria: GeneDx Variant Classification Process June 2021. Collection method: clinical testing. Allele origin: germline. Affected: yes.
Comment: In silico analysis supports that this missense variant has a deleterious effect on protein structure/function; Has not been previously published as pathogenic or benign to our knowledge

NM_000302.4(PLOD1):c.569C>T (p.Pro190Leu)

Gene: PLOD1 (procollagen-lysine,2-oxoglutarate 5-dioxygenase 1; plus strand). Cytogenetic location: 1p36.22.
Variant type: single nucleotide variant.
Coding change: c.569C>T on transcript NM_000302.4 (MANE Select); coding-DNA position 569, C replaced by T.
Protein change: p.Pro190Leu; replaces proline 190 with leucine.
Molecular consequence: missense variant.
Genome position (GRCh38, 1-based): chr1:11,952,725, C>T. VCF-style: chr1-11952725-C-T. GRCh37 (hg19) VCF-style: chr1-12012782-C-T.
Other names: p.Pro190Leu; c.710C>T, p.Pro237Leu (NM_001316320.2); short protein forms P190L, P237L.
Identifiers: ClinVar variation 571946 (VCV000571946.13), dbSNP rs375416784, ClinGen allele CA597945.